The following is an entry in ClinVar:

NM_001144013.2(RGPD3):c.3124G>A (p.Val1042Ile)

Gene: RGPD3 (RANBP2 like and GRIP domain containing 3; minus strand). Cytogenetic location: 2q12.2.
Variant type: single nucleotide variant.
Coding change: c.3124G>A on transcript NM_001144013.2 (MANE Select); coding-DNA position 3124, G replaced by A.
Protein change: p.Val1042Ile; replaces valine 1042 with isoleucine.
Molecular consequence: missense variant.
Genome position (GRCh38, 1-based): chr2:106,424,843, C>T on the plus strand (G>A on the coding strand, the complement: RGPD3 is on the minus strand). VCF-style: chr2-106424843-C-T. GRCh37 (hg19) VCF-style: chr2-107041299-C-T.
Other names: short protein forms V1042I.
Identifiers: ClinVar variation 2651231 (VCV002651231.24), dbSNP rs201950587, ClinGen allele CA1816566.

ClinVar aggregate classification (germline): Likely benign (1 of 4 stars; one submission).

Allele frequency attached by ClinVar (database versions not stated): 1000 Genomes Project 30x 0.00203; 1000 Genomes Project 0.00240; TOPMed 0.00539; gnomAD 0.00578; gnomAD exomes 0.00636; ExAC 0.00648.
gnomAD v4.1: 10,173 of 1,611,716 alleles (0.63%); highest among the groups gnomAD compares: Middle Eastern, 1%; 68 homozygotes.

Submission:

CeGaT Center for Human Genetics Tuebingen
Classification: Likely benign. Last evaluated: 2023-03-01. Review status: criteria provided, single submitter. Criteria: CeGaT Center For Human Genetics Tuebingen Variant Classification Criteria Version 2. Collection method: clinical testing. Allele origin: germline. Affected: yes. Observed: 1 variant allele.
Comment: RGPD3: BS2